The following is an entry in ClinVar:

ClinVar aggregate classification (germline): Likely pathogenic (1 of 4 stars; one submission).

Conditions:
Hereditary factor XI deficiency disease. Also called: Congenital factor XI deficiency; PLASMA THROMBOPLASTIN ANTECEDENT DEFICIENCY; PTA DEFICIENCY; ROSENTHAL SYNDROME. Identifiers: Orphanet 329, MedGen C0015523, MeSH D005173, MONDO:0012897, OMIM 612416.

Submission:

Myriad Genetics, Inc.
Classification: Likely pathogenic for Hereditary factor XI deficiency disease. Last evaluated: 2022-02-12. Review status: criteria provided, single submitter. Criteria: Myriad Women's Health Autosomal Recessive and X-Linked Classification Criteria (2021). Collection method: clinical testing. Allele origin: unknown.
Comment: NM_000128.3(F11):c.729_735del7(Q244Gfs*103) is expected to be pathogenic in the context of factor XI deficiency. This variant is predicted to lead to an abnormal or absent protein product due to the creation of a premature termination codon in F11, a gene where loss-of-function variants are known to be pathogenic. Please note: this variant was assessed in the context of healthy population screening.

NM_000128.4(F11):c.729_735del (p.Gln244fs)

Gene: F11 (coagulation factor XI; plus strand). Cytogenetic location: 4q35.2.
Variant type: Deletion.
Coding change: c.729_735del on transcript NM_000128.4 (MANE Select); coding-DNA positions 729 to 735, 7 bases deleted (CCAGGAA; older notation c.729_735delCCAGGAA).
Protein change: p.Gln244fs; shifts the reading frame from glutamine 244.
Molecular consequence: frameshift variant.
Genome position (GRCh38, 1-based): chr4:186,276,364-186,276,370, CCAGGAA deleted. VCF-style (leftmost placement, unchanged base first): chr4-186276363-CCCAGGAA-C. GRCh37 (hg19) VCF-style: chr4-187197517-CCCAGGAA-C.
Other names: short protein forms Q244fs.
Identifiers: ClinVar variation 1724392 (VCV001724392.2), dbSNP rs2477280161, ClinGen allele CA2580071718.